The following is an entry in ClinVar:

ClinVar aggregate classification (germline): Likely pathogenic (1 of 4 stars; one submission).

Conditions:
Ehlers-Danlos syndrome, dermatosparaxis type. Also called: Ehlers-Danlos syndrome, type VII, autosomal recessive; EDS VIIC; Dermatosparaxis. Identifiers: Orphanet 1901, MedGen C2700425, MONDO:0009161, OMIM 225410.

Submission:

Labcorp Genetics (formerly Invitae), Labcorp
Classification: Likely pathogenic for Ehlers-Danlos syndrome, dermatosparaxis type. Last evaluated: 2023-06-07. Review status: criteria provided, single submitter. Criteria: Invitae Variant Classification Sherloc (09022015). Collection method: clinical testing. Allele origin: unknown.
Comment: In summary, the currently available evidence indicates that the variant is pathogenic, but additional data are needed to prove that conclusively. Therefore, this variant has been classified as Likely Pathogenic. This variant has not been reported in the literature in individuals affected with ADAMTS2-related conditions. This variant results in a copy number gain of the genomic region encompassing exon(s) 3-6 of the ADAMTS2 gene. While the exact position of this variant cannot be determined from the data, sub-genic copy number gains are generally in tandem (PMID: 25640679). This variant is predicted to be out-of-frame, and may result in an absent or disrupted protein product. Loss-of-function variants in ADAMTS2 are known to be pathogenic (PMID: 10417273).

Literature cited by the submitters: PubMed 25640679; PubMed 10417273.

NC_000005.9:g.(?_178585704)_(178700085_?)dup

Gene: ADAMTS2 (ADAM metallopeptidase with thrombospondin type 1 motif 2; minus strand). Cytogenetic location: 5q35.3.
Variant type: Duplication.
Identifiers: ClinVar variation 3246373 (VCV003246373.1).